The following is an entry in ClinVar:

NM_016203.4(PRKAG2):c.40G>A (p.Val14Ile)

Gene: PRKAG2 (protein kinase AMP-activated non-catalytic subunit gamma 2; minus strand). Cytogenetic location: 7q36.1.
Variant type: single nucleotide variant.
Coding change: c.40G>A on transcript NM_016203.4 (MANE Select); coding-DNA position 40, G replaced by A.
Protein change: p.Val14Ile; replaces valine 14 with isoleucine.
Molecular consequence: missense variant.
Genome position (GRCh38, 1-based): chr7:151,876,581, C>T on the plus strand (G>A on the coding strand, the complement: PRKAG2 is on the minus strand). VCF-style: chr7-151876581-C-T. GRCh37 (hg19) VCF-style: chr7-151573666-C-T.
Other names: c.40G>A, p.Val14Ile (NM_001407021.1, NM_001407022.1, NM_001407023.1 and 2 more transcripts); short protein forms V14I.
Identifiers: ClinVar variation 4757917 (VCV004757917.1).
Genomic context (GRCh38, chr7:151,876,581, plus strand): 5'-GCAGCGAACGCCTCTTCTGGCTGGCATTTTTCTTGCCGCCGCTCCCGCCGGGGCTGGAAA[C>T]ATCTTTTTTCTTCTTGGTGTCCATAACCGCGCTTCCCATAACTCTAACCAGAAGTTGATT-3'
Protein context (NP_057287.2, residues 4-24): AVMDTKKKKD[Val14Ile]SSPGGSGGKK

ClinVar aggregate classification (germline): Uncertain significance (1 of 4 stars; one submission).

Conditions:
Cardiomyopathy (CMYO). Also called: Cardiomyopathies. Identifiers: Orphanet 167848, MedGen C0878544, MONDO:0004994, HP:0001638. Inheritance: Various modes of inheritance.

Submission:

Color Diagnostics, LLC DBA Color Health
Classification: Uncertain significance for Cardiomyopathy. Last evaluated: 2025-08-14. Review status: criteria provided, single submitter. Criteria: ACMG Guidelines, 2015. Collection method: clinical testing. Allele origin: germline.
Comment: This missense variant replaces valine with isoleucine at codon 14 of the PRKAG2 protein. Computational prediction suggests that this variant may not impact protein structure and function. To our knowledge, functional studies have not been reported for this variant. This variant has not been reported in individuals affected with PRKAG2-related disorders in the literature. This variant has not been identified in the general population by the Genome Aggregation Database (gnomAD). The available evidence is insufficient to determine the role of this variant in disease conclusively. Therefore, this variant is classified as a Variant of Uncertain Significance.